The following is an entry in ClinVar:

NM_000038.6(APC):c.6314A>G (p.Gln2105Arg)

Gene: APC (APC regulator of Wnt signaling pathway; plus strand). Cytogenetic location: 5q22.2.
Variant type: single nucleotide variant.
Coding change: c.6314A>G on transcript NM_000038.6 (MANE Select); coding-DNA position 6314, A replaced by G.
Protein change: p.Gln2105Arg; replaces glutamine 2105 with arginine.
Molecular consequence: missense variant.
Genome position (GRCh38, 1-based): chr5:112,841,908, A>G. VCF-style: chr5-112841908-A-G. GRCh37 (hg19) VCF-style: chr5-112177605-A-G.
Other names: c.6314A>G, p.Gln2105Arg (NM_001127510.3, NM_001354895.2); c.6260A>G, p.Gln2087Arg (NM_001127511.3); c.6368A>G, p.Gln2123Arg (NM_001354896.2); c.6344A>G, p.Gln2115Arg (NM_001354897.2); c.6239A>G, p.Gln2080Arg (NM_001354898.2); c.6230A>G, p.Gln2077Arg (NM_001354899.2); c.6191A>G, p.Gln2064Arg (NM_001354900.2); c.6137A>G, p.Gln2046Arg (NM_001354901.2); and 5 more; short protein forms Q2087R, Q2105R, Q1945R, Q1979R, Q2080R, Q2014R, Q2123R, Q1822R.
Identifiers: ClinVar variation 482505 (VCV000482505.8), dbSNP rs1554087325, ClinGen allele CA16035161.

ClinVar aggregate classification (germline): Uncertain significance. Review status: criteria provided, multiple submitters, no conflicts (2 of 4 stars). 2 submissions from 2 submitters: Uncertain significance (2). Last evaluated 2025-01-02.

Conditions:
Hereditary cancer-predisposing syndrome. Also called: Neoplastic Syndromes, Hereditary; Tumor predisposition; Hereditary Cancer Syndrome; Hereditary neoplastic syndrome. Identifiers: Orphanet 140162, MedGen C0027672, MeSH D009386, MONDO:0015356.
Familial adenomatous polyposis 1 (FAP1). Also called: FAMILIAL ADENOMATOUS POLYPOSIS 1, ATTENUATED; POLYPOSIS, ADENOMATOUS INTESTINAL. Identifiers: MedGen C2713442, MONDO:0021056, OMIM 175100. Disease mechanism: loss of function.

Submissions (2):

Ambry Genetics
Classification: Uncertain significance for Hereditary cancer-predisposing syndrome. Last evaluated: 2025-01-02. Review status: criteria provided, single submitter. Criteria: Ambry Variant Classification Scheme 2023. Collection method: clinical testing. Allele origin: germline.
Comment: The p.Q2105R variant (also known as c.6314A>G), located in coding exon 15 of the APC gene, results from an A to G substitution at nucleotide position 6314. The glutamine at codon 2105 is replaced by arginine, an amino acid with highly similar properties. This amino acid position is highly conserved in available vertebrate species. In addition, in silico predictors for this gene do not accurately predict pathogenicity. Missense alterations in APC are not a common cause of disease (Spier I et al. Genet Med. 2024 Feb;26(2):100992). Based on the available evidence, the clinical significance of this variant remains unclear.

Labcorp Genetics (formerly Invitae), Labcorp
Classification: Uncertain significance for Familial adenomatous polyposis 1. Last evaluated: 2024-04-04. Review status: criteria provided, single submitter. Criteria: Invitae Variant Classification Sherloc (09022015). Collection method: clinical testing. Allele origin: germline.
Comment: This sequence change replaces glutamine, which is neutral and polar, with arginine, which is basic and polar, at codon 2105 of the APC protein (p.Gln2105Arg). This variant is not present in population databases (gnomAD no frequency). This variant has not been reported in the literature in individuals affected with APC-related conditions. ClinVar contains an entry for this variant (Variation ID: 482505). Advanced modeling of protein sequence and biophysical properties (such as structural, functional, and spatial information, amino acid conservation, physicochemical variation, residue mobility, and thermodynamic stability) performed at Invitae indicates that this missense variant is not expected to disrupt APC protein function with a negative predictive value of 95%. In summary, the available evidence is currently insufficient to determine the role of this variant in disease. Therefore, it has been classified as a Variant of Uncertain Significance.